The following is an entry in ClinVar:

ClinVar aggregate classification (germline): Uncertain significance (1 of 4 stars; one submission).

Conditions:
Low phospholipid associated cholelithiasis (GBD1). Also called: Gallbladder disease 1; Gallstone cholecystitis. Identifiers: Orphanet 69663, MedGen C2609268, MONDO:0010939, OMIM 600803.

Submission:

Genomenon, Inc
Classification: Uncertain significance for Low phospholipid associated cholelithiasis. Last evaluated: 2026-04-14. Review status: criteria provided, single submitter. Criteria: Genomenon Sequence Variant Interpretation Standards - Updated. Collection method: curation. Allele origin: germline. Affected: yes.
Comment: ABCB4 p.Ala946Thr (c.2836G>A) is a missense variant that changes the amino acid at residue 946 from Alanine to Threonine. This variant has been observed in at least one proband with an ABCB4-related disorder (PMID:20537830). It is absent or not present at a significant frequency in gnomAD. In silico models predict that this variant is possibly or probably damaging. In conclusion, we classify ABCB4 p.Ala946Thr (c.2836G>A) as a variant of uncertain significance.

Literature cited by the submitters: PubMed 20537830.

NM_000443.4(ABCB4):c.2836G>A (p.Ala946Thr)

Gene: ABCB4 (ATP binding cassette subfamily B member 4; minus strand). Cytogenetic location: 7q21.12.
Variant type: single nucleotide variant.
Coding change: c.2836G>A on transcript NM_000443.4 (MANE Select); coding-DNA position 2836, G replaced by A.
Protein change: p.Ala946Thr; replaces alanine 946 with threonine.
Molecular consequence: missense variant. On other transcripts: intron variant (1).
Genome position (GRCh38, 1-based): chr7:87,411,981, C>T on the plus strand (G>A on the coding strand, the complement: ABCB4 is on the minus strand). VCF-style: chr7-87411981-C-T. GRCh37 (hg19) VCF-style: chr7-87041297-C-T.
Other names: c.2836G>A, p.Ala946Thr (NM_018849.3); c.2783+1636G>A (NM_018850.3); short protein forms A946T.
Identifiers: ClinVar variation 4846408 (VCV004846408.1).
Genomic context (GRCh38, chr7:87,411,981, plus strand): 5'-CATTCACAATGAGATATGCACCAAATCGAAAACAACCGGCATAGGAAAAATACATAAATG[C>T]TTGTGAGATACTAAAAGTAATTCCATAGATGTGTGCCTTCTGCACAGAATTCCTGAAAAG-3'
Protein context (NP_000434.1, residues 936-956): IYGITFSISQ[Ala946Thr]FMYFSYAGCF